The following is an entry in ClinVar:

NM_001289125.3(IFNAR2):c.194A>C (p.His65Pro)

Genes: IFNAR2 (interferon alpha and beta receptor subunit 2; plus strand), IFNAR2-IL10RB (IFNAR2-IL10RB readthrough; plus strand). Cytogenetic location: 21q22.11.
Variant type: single nucleotide variant.
Coding change: c.194A>C on transcript NM_001289125.3 (MANE Select); coding-DNA position 194, A replaced by C.
Protein change: p.His65Pro; replaces histidine 65 with proline.
Molecular consequence: missense variant.
Genome position (GRCh38, 1-based): chr21:33,245,047, A>C. VCF-style: chr21-33245047-A-C. GRCh37 (hg19) VCF-style: chr21-34617352-A-C.
Other names: c.194A>C, p.His65Pro (NM_000874.5, NM_001289126.2, NM_001289128.2 and 4 more transcripts); short protein forms H65P.
Identifiers: ClinVar variation 1518033 (VCV001518033.6), dbSNP rs769356115, ClinGen allele CA10005576.

ClinVar aggregate classification (germline): Uncertain significance (1 of 4 stars; one submission).

Allele frequency attached by ClinVar (database versions not stated): gnomAD 0.00001; TOPMed 0.00002; ExAC 0.00003; gnomAD exomes 0.00003.
gnomAD v4.1: 44 of 1,610,248 alleles (0.0027%); highest among the groups gnomAD compares: Non-Finnish European, 0.0019%; no homozygotes.

Submission:

Labcorp Genetics (formerly Invitae), Labcorp
Classification: Uncertain significance. Last evaluated: 2023-11-27. Review status: criteria provided, single submitter. Criteria: Invitae Variant Classification Sherloc (09022015). Collection method: clinical testing. Allele origin: germline.
Comment: This sequence change replaces histidine, which is basic and polar, with proline, which is neutral and non-polar, at codon 65 of the IFNAR2 protein (p.His65Pro). This variant is present in population databases (rs769356115, gnomAD 0.07%). This variant has not been reported in the literature in individuals affected with IFNAR2-related conditions. ClinVar contains an entry for this variant (Variation ID: 1518033). An algorithm developed to predict the effect of missense changes on protein structure and function (PolyPhen-2) suggests that this variant is likely to be disruptive. In summary, the available evidence is currently insufficient to determine the role of this variant in disease. Therefore, it has been classified as a Variant of Uncertain Significance.